The following is an entry in ClinVar:

ClinVar aggregate classification (germline): Uncertain significance (1 of 4 stars; one submission).

Conditions:
Inborn genetic diseases. Identifiers: MedGen C0950123, MeSH D030342.

Submission:

Ambry Genetics
Classification: Uncertain significance for Inborn genetic diseases. Last evaluated: 2024-08-02. Review status: criteria provided, single submitter. Criteria: Ambry Variant Classification Scheme 2023. Collection method: clinical testing. Allele origin: germline.
Comment: The p.M751L variant (also known as c.2251A>T), located in coding exon 14 of the EPAS1 gene, results from an A to T substitution at nucleotide position 2251. The methionine at codon 751 is replaced by leucine, an amino acid with highly similar properties. This amino acid position is conserved. In addition, this alteration is predicted to be tolerated by in silico analysis. Based on the available evidence, the clinical significance of this variant remains unclear.

NM_001430.5(EPAS1):c.2251A>T (p.Met751Leu)

Gene: EPAS1 (endothelial PAS domain protein 1; plus strand). Cytogenetic location: 2p21.
Variant type: single nucleotide variant.
Coding change: c.2251A>T on transcript NM_001430.5 (MANE Select); coding-DNA position 2251, A replaced by T.
Protein change: p.Met751Leu; replaces methionine 751 with leucine.
Molecular consequence: missense variant.
Genome position (GRCh38, 1-based): chr2:46,382,053, A>T. VCF-style: chr2-46382053-A-T. GRCh37 (hg19) VCF-style: chr2-46609192-A-T.
Other names: short protein forms M751L.
Identifiers: ClinVar variation 3508963 (VCV003508963.1).